The following is an entry in ClinVar:

ClinVar aggregate classification (germline): Conflicting classifications of pathogenicity. Review status: criteria provided, conflicting classifications (1 of 4 stars). 18 submissions from 17 submitters: Pathogenic (9); Likely pathogenic (3); Uncertain significance (1). 5 of the submissions do not count toward it. Last evaluated 2025-11-27.

Conditions:
Early-infantile DEE. Also called: Ohtahara syndrome; Early infantile epileptic encephalopathy with suppression bursts; Early infantile epileptic encephalopathy. Identifiers: Orphanet 1934, MedGen C0393706, MONDO:0800491.
Focal epilepsy. Also called: partial epilepsy. Identifiers: MedGen C0014547, MeSH D004828, MONDO:0005384.
SCN8A-related disorder.
Seizures, benign familial infantile, 5 (BFIS5). Also called: CONVULSIONS, BENIGN FAMILIAL INFANTILE, 5. Identifiers: Orphanet 306, MedGen C4310728, MONDO:0014903, OMIM 617080.
Developmental and epileptic encephalopathy, 13 (DEE13). Also called: Early infantile epileptic encephalopathy 13; Developmental and Epileptic Encephalopathy (SCN8A-DEE); SCN8A-Related Epilepsy. Identifiers: Orphanet 442835, MedGen C3281191, MONDO:0013801, OMIM 614558.
Seizure. Also called: Seizures. Identifiers: MedGen C0036572, HP:0001250.

Submissions (19):

Labcorp Genetics (formerly Invitae), Labcorp
Classification: Pathogenic for Early-infantile DEE. Last evaluated: 2025-11-27. Review status: criteria provided, single submitter. Criteria: Invitae Variant Classification Sherloc (09022015). Collection method: clinical testing. Allele origin: germline.
Comment: This sequence change replaces asparagine, which is neutral and polar, with serine, which is neutral and polar, at codon 1877 of the SCN8A protein (p.Asn1877Ser). This variant is not present in population databases (gnomAD no frequency). This missense change has been observed in individual(s) with early onset focal epileptic seizures without cognitive or neurological impairment (PMID: 27210545; internal data). In at least one individual the variant was observed to be de novo. It has also been observed to segregate with disease in related individuals. ClinVar contains an entry for this variant (Variation ID: 130252). Invitae Evidence Modeling of protein sequence and biophysical properties (such as structural, functional, and spatial information, amino acid conservation, physicochemical variation, residue mobility, and thermodynamic stability) indicates that this missense variant is expected to disrupt SCN8A protein function with a positive predictive value of 80%. For these reasons, this variant has been classified as Pathogenic.

Dasa
Classification: Pathogenic. Last evaluated: 2025-11-20. Review status: criteria provided, single submitter. Criteria: DASA Assertion Criteria. Collection method: clinical testing. Allele origin: germline.
Comment: NM_001330260.2(SCN8A):c.5630A>G (p.Asn1877Ser) is a missense variant that results in the substitution of asparagine with serine. Functional evidence supports a deleterious effect on the gene or gene product (PMID: 27210545; PMID: 38880818; PMID: 34431999; PMID: 38279250; PMID: 38233770). This variant has been recurrently observed in individuals with related phenotype (PMID: 27210545; PMID: 38880818; PMID: 34431999; PMID: 38279250; PMID: 38233770). Segregation evidence has been reported in affected families. Multiple computational predictions support a deleterious effect on the gene or gene product. Based on the available data, this variant is classified as pathogenic.

3billion
Classification: Likely pathogenic for SCN8A-related disorder. Last evaluated: 2024-08-06. Review status: criteria provided, single submitter. Criteria: ACMG Guidelines, 2015. Collection method: clinical testing. Allele origin: germline. Affected: yes.
Comment: The variant is not observed in the gnomAD v4.0.0 dataset. Predicted Consequence/Location: Missense changes are a common disease-causing mechanism. In silico tool predictions suggest damaging effect of the variant on gene or gene product [REVEL: 0.78 (>=0.6, sensitivity 0.68 and specificity 0.92); 3Cnet: 0.99 (>=0.6, sensitivity 0.72 and precision 0.9)]. The same nucleotide change resulting in the same amino acid change has been previously reported as pathogenic/likely pathogenic with strong evidence (ClinVar ID: VCV000130252 /PMID: 27210545). Therefore, this variant is classified as Likely pathogenic according to the recommendation of ACMG/AMP guideline.

Blueprint Genetics
Classification: Pathogenic for SCN8A-related disorders. Last evaluated: 2024-03-13. Review status: criteria provided, single submitter. Criteria: ACMG Guidelines, 2015. Collection method: clinical testing. Allele origin: germline. Affected: yes. Observed: 4 variant alleles.

University of British Columbia, BC Children's Hospital
Classification: Pathogenic for Seizures, benign familial infantile, 5. Last evaluated: 2023-08-30. Review status: criteria provided, single submitter. Criteria: ACMG Guidelines, 2015. Collection method: research. Allele origin: germline. Affected: yes.

Clinical Genetics Laboratory, Skane University Hospital Lund
Classification: Pathogenic. Last evaluated: 2022-05-27. Review status: criteria provided, single submitter. Criteria: ACMG Guidelines, 2015. Collection method: clinical testing. Allele origin: germline. Affected: yes.

CeGaT Center for Human Genetics Tuebingen
Classification: Pathogenic. Last evaluated: 2022-02-01. Review status: criteria provided, single submitter. Criteria: CeGaT Center For Human Genetics Tuebingen Variant Classification Criteria Version 2. Collection method: clinical testing. Allele origin: germline. Affected: yes. Observed: 6 variant alleles.

GeneDx
Classification: Pathogenic. Last evaluated: 2021-03-25. Review status: criteria provided, single submitter. Criteria: GeneDx Variant Classification Process June 2021. Collection method: clinical testing. Allele origin: germline. Affected: yes.
Comment: Not observed in large population cohorts (Lek et al., 2016); The majority of missense variants in this gene are considered pathogenic (Stenson et al., 2014); In silico analysis, which includes protein predictors and evolutionary conservation, supports a deleterious effect; This substitution is predicted to be within the C-terminal cytoplasmic domain; This variant is associated with the following publications: (PMID: 29100083, 27210545, 30851583, 31164858, 32090326, 27875746, 27864847, 28923014, 30776697, 31487502, 32853054, 32040247)

Cytogénomique, Hospices Civils de Lyon
Classification: Pathogenic for Seizures, benign familial infantile, 5. Last evaluated: 2020-12-16. Review status: criteria provided, single submitter. Criteria: ACMG Guidelines, 2015. Collection method: clinical testing. Allele origin: maternal. Inheritance: Autosomal dominant inheritance. Affected: yes. Observed: 1 variant allele, 1 heterozygote.
Comment: Absent from gnomAD. Predicted pathogenic. Genotype/phenotype correlation

Mendelics
Classification: Likely pathogenic for Developmental and epileptic encephalopathy, 13. Last evaluated: 2019-05-28. Review status: criteria provided, single submitter. Criteria: Mendelics Assertion Criteria 2017. Collection method: clinical testing. Allele origin: unknown.

Revvity Omics, Revvity
Classification: Pathogenic. Last evaluated: 2019-02-06. Review status: criteria provided, single submitter. Criteria: ACMG Guidelines, 2015. Collection method: clinical testing. Allele origin: germline.

Neurogenetics Laboratory - MEYER, AOU Meyer
Classification: Likely pathogenic for Focal epilepsy. Last evaluated: 2016-11-16. Review status: criteria provided, single submitter. Criteria: ACMG Guidelines, 2015. Collection method: clinical testing. Allele origin: maternal. Affected: yes. Observed: 1 heterozygote.

Eurofins Ntd Llc (ga)
Classification: Uncertain significance. Last evaluated: 2016-01-12. Review status: criteria provided, single submitter. Criteria: EGL Classification Definitions 2015. Collection method: clinical testing. Allele origin: germline. Observed: 2 variant alleles, 2 heterozygotes.

OMIM
Classification: Pathogenic for SEIZURES, BENIGN FAMILIAL INFANTILE, 5. Last evaluated: 2020-10-19. Review status: no assertion criteria provided. Collection method: literature only. Allele origin: unknown. Not counted in ClinVar's aggregate classification.

OMIM
Classification: Pathogenic for DEVELOPMENTAL AND EPILEPTIC ENCEPHALOPATHY 13. Last evaluated: 2020-10-19. Review status: no assertion criteria provided. Collection method: literature only. Allele origin: unknown. Not counted in ClinVar's aggregate classification.

Centre de Biologie Pathologie Génétique, Centre Hospitalier Universitaire de Lille
Classification: Likely pathogenic for Early infantile epileptic encephalopathy 13. Last evaluated: 2019-01-01. Review status: no assertion criteria provided. Collection method: clinical testing. Allele origin: unknown. Affected: yes. Not counted in ClinVar's aggregate classification.

Channelopathy-Associated Epilepsy Research Center
No classification provided (evidence only). Condition: Complex neurodevelopmental disorder. Review status: no classification provided. Collection method: literature only. Allele origin: not applicable. Functional consequence: Mild depolarizing shift of voltage dependence of fast inactivation, Overall gain-of-function effect with respect to biophysical channel activity, Normal peak current, Normal voltage dependence of activation, Normal slope of fast inactivation, Normal fast inactivation, Normal rate of recovery from fast inactivation. Not counted in ClinVar's aggregate classification.
ClinVar note: "not provided" was previously submitted as the classification for the variant. However, the classification appeared to be based only on an observation of functional data so it was converted to no classification on 2025-07-30.

Diagnostic Laboratory, Strasbourg University Hospital
Classification: Pathogenic for Seizure. Review status: no assertion criteria provided. Collection method: clinical testing. Allele origin: germline. Affected: yes. Observed: 1 heterozygote. Not counted in ClinVar's aggregate classification.

Genetic Services Laboratory, University of Chicago
Classification: Uncertain significance. Last evaluated: 2013-12-06. Review status: flagged submission. Criteria: ACMG Guidelines, 2007. Collection method: clinical testing. Allele origin: germline. Inheritance: Autosomal dominant inheritance. Not counted in ClinVar's aggregate classification.
ClinVar note: Reason: Older and outlier claim with insufficient supporting evidence

Literature cited by the submitters: PubMed 27210545 (cited by 5 submitters); PubMed 38880818 (cited by Dasa); PubMed 34431999 (cited by Dasa and Channelopathy-Associated Epilepsy Research Center); PubMed 38279250 (cited by Dasa); PubMed 38233770 (cited by Dasa); PubMed 30851583 (cited by Dasa); PubMed 32040247 (cited by Dasa); PubMed 38174099 (cited by Dasa); PubMed 27875746 (cited by University of British Columbia, BC Children's Hospital).

NM_001330260.2(SCN8A):c.5630A>G (p.Asn1877Ser)

Gene: SCN8A (sodium voltage-gated channel alpha subunit 8; plus strand). Cytogenetic location: 12q13.13.
Variant type: single nucleotide variant.
Coding change: c.5630A>G on transcript NM_001330260.2 (MANE Select); coding-DNA position 5630, A replaced by G.
Protein change: p.Asn1877Ser; replaces asparagine 1877 with serine.
Molecular consequence: missense variant.
Genome position (GRCh38, 1-based): chr12:51,807,116, A>G. VCF-style: chr12-51807116-A-G. GRCh37 (hg19) VCF-style: chr12-52200900-A-G.
Other names: p.N1877S:AAT>AGT; c.5507A>G, p.Asn1836Ser (NM_001177984.3, NM_001369788.1); c.5630A>G, p.Asn1877Ser (NM_014191.4); short protein forms N1877S, N1836S.
Identifiers: ClinVar variation 130252 (VCV000130252.76), dbSNP rs587780455, ClinGen allele CA289040.